The following is an entry in ClinVar:

NM_001368894.2(PAX6):c.1282A>G (p.Met428Val)

Genes: ELP4 (elongator acetyltransferase complex subunit 4; plus strand), PAX6 (paired box 6; minus strand). Cytogenetic location: 11p13.
Variant type: single nucleotide variant.
Coding change: c.1282A>G on transcript NM_001368894.2 (MANE Select); coding-DNA position 1282, A replaced by G.
Protein change: p.Met428Val; replaces methionine 428 with valine.
Molecular consequence: missense variant. On other transcripts: 3 prime UTR variant (3), non-coding transcript variant (2).
Genome position (GRCh38, 1-based): chr11:31,789,963, T>C on the plus strand (A>G on the coding strand, the complement: PAX6 is on the minus strand). VCF-style: chr11-31789963-T-C. GRCh37 (hg19) VCF-style: chr11-31811511-T-C.
Other names: c.*6425T>C (NM_001288725.2); c.*6534T>C (NM_001288726.2); c.*6439T>C (NM_019040.5); c.1240A>G, p.Met414Val (NM_000280.6, NM_001127612.3, NM_001258464.2 and 6 more transcripts); c.1282A>G, p.Met428Val (NM_001258462.3, NM_001258463.2, NM_001310158.2 and 3 more transcripts); c.832A>G, p.Met278Val (NM_001310160.2, NM_001310161.3, NM_001368907.2 and 10 more transcripts); c.1483A>G, p.Met495Val (NM_001368910.2); c.1134A>G, p.Ile378Met (NM_001368911.2); and 9 more; short protein forms M495V, I377M, I378M, M213V, M414V, M428V, I227M, M278V.
Identifiers: ClinVar variation 1498939 (VCV001498939.9), dbSNP rs541260494, ClinGen allele CA5933638.

ClinVar aggregate classification (germline): Uncertain significance. Review status: criteria provided, multiple submitters, no conflicts (2 of 4 stars). 2 submissions from 2 submitters: Uncertain significance (2). Last evaluated 2023-11-17.

Conditions:
Irido-corneo-trabecular dysgenesis (ASGD5). Also called: ANTERIOR SEGMENT DYSGENESIS 5. Identifiers: Orphanet 708, MedGen C0344559, MONDO:0011414, OMIM 604229, HP:0000659.
Aniridia 1 (AN1). Identifiers: Orphanet 250923, MedGen C0344542, MONDO:0024507, OMIM 106210.
Inborn genetic diseases. Identifiers: MedGen C0950123, MeSH D030342.

Allele frequency attached by ClinVar (database versions not stated): gnomAD exomes below 0.00001 and 0.00001; ExAC 0.00001; gnomAD 0.00001; 1000 Genomes Project 30x 0.00016; 1000 Genomes Project 0.00020.
gnomAD v4.1: 4 of 1,511,158 alleles (0.00026%); highest among the groups gnomAD compares: East Asian, 0.0045%; no homozygotes.

Submissions (2):

Ambry Genetics
Classification: Uncertain significance for Inborn genetic diseases. Last evaluated: 2023-11-17. Review status: criteria provided, single submitter. Criteria: Ambry Variant Classification Scheme 2023. Collection method: clinical testing. Allele origin: germline.

Labcorp Genetics (formerly Invitae), Labcorp
Classification: Uncertain significance for Aniridia 1; Irido-corneo-trabecular dysgenesis. Last evaluated: 2022-06-13. Review status: criteria provided, single submitter. Criteria: Invitae Variant Classification Sherloc (09022015). Collection method: clinical testing. Allele origin: germline.
Comment: In summary, the available evidence is currently insufficient to determine the role of this variant in disease. Therefore, it has been classified as a Variant of Uncertain Significance. Advanced modeling of protein sequence and biophysical properties (such as structural, functional, and spatial information, amino acid conservation, physicochemical variation, residue mobility, and thermodynamic stability) performed at Invitae indicates that this missense variant is not expected to disrupt PAX6 protein function. This variant has not been reported in the literature in individuals affected with PAX6-related conditions. This variant is present in population databases (rs541260494, gnomAD 0.01%). This sequence change replaces methionine, which is neutral and non-polar, with valine, which is neutral and non-polar, at codon 414 of the PAX6 protein (p.Met414Val).